The following is an entry in ClinVar:

ClinVar aggregate classification (germline): Uncertain significance (1 of 4 stars; one submission).

Submission:

Labcorp Genetics (formerly Invitae), Labcorp
Classification: Uncertain significance. Last evaluated: 2026-01-15. Review status: criteria provided, single submitter. Criteria: Invitae Variant Classification Sherloc (09022015). Collection method: clinical testing. Allele origin: germline.
Comment: This sequence change replaces arginine, which is basic and polar, with methionine, which is neutral and non-polar, at codon 913 of the NFKB1 protein (p.Arg913Met). This variant is not present in population databases (gnomAD no frequency). This variant has not been reported in the literature in individuals affected with NFKB1-related conditions. An algorithm developed to predict the effect of missense changes on protein structure and function (PolyPhen-2) suggests that this variant is likely to be disruptive. In summary, the available evidence is currently insufficient to determine the role of this variant in disease. Therefore, it has been classified as a Variant of Uncertain Significance.

NM_003998.4(NFKB1):c.2738G>T (p.Arg913Met)

Gene: NFKB1 (nuclear factor kappa B subunit 1; plus strand). Cytogenetic location: 4q24.
Variant type: single nucleotide variant.
Coding change: c.2738G>T on transcript NM_003998.4 (MANE Select); coding-DNA position 2738, G replaced by T.
Protein change: p.Arg913Met; replaces arginine 913 with methionine.
Molecular consequence: missense variant.
Genome position (GRCh38, 1-based): chr4:102,613,570, G>T. VCF-style: chr4-102613570-G-T. GRCh37 (hg19) VCF-style: chr4-103534727-G-T.
Other names: c.2696G>T, p.Arg899Met (NM_001382628.1); c.2735G>T, p.Arg912Met (NM_001165412.2, NM_001319226.2, NM_001382627.1); c.2738G>T, p.Arg913Met (NM_001382625.1, NM_001382626.1); short protein forms R899M, R912M, R913M.
Identifiers: ClinVar variation 4692908 (VCV004692908.1).